The following is an entry in ClinVar:

ClinVar aggregate classification (germline): Uncertain significance. Review status: criteria provided, multiple submitters, no conflicts (2 of 4 stars). 2 submissions from 2 submitters: Uncertain significance (2). Last evaluated 2024-10-09.

Conditions:
Neuroblastoma, susceptibility to, 3. Also called: ALK-Related Neuroblastic Tumor Susceptibility. Identifiers: Orphanet 635, MedGen C2751681, MONDO:0013083, OMIM 613014.
Hereditary cancer-predisposing syndrome. Also called: Hereditary Cancer Syndrome; Hereditary neoplastic syndrome; Neoplastic Syndromes, Hereditary; Tumor predisposition. Identifiers: Orphanet 140162, MedGen C0027672, MeSH D009386, MONDO:0015356.

Allele frequency attached by ClinVar (database versions not stated): gnomAD exomes below 0.00001.
gnomAD v4.1: 2 of 1,613,316 alleles (0.00012%); highest among the groups gnomAD compares: African/African-American, 0.0027%; no homozygotes.

Submissions (2):

Labcorp Genetics (formerly Invitae), Labcorp
Classification: Uncertain significance for Neuroblastoma, susceptibility to, 3. Last evaluated: 2024-10-09. Review status: criteria provided, single submitter. Criteria: Invitae Variant Classification Sherloc (09022015). Collection method: clinical testing. Allele origin: germline.
Comment: This sequence change replaces threonine, which is neutral and polar, with isoleucine, which is neutral and non-polar, at codon 1363 of the ALK protein (p.Thr1363Ile). This variant is present in population databases (no rsID available, gnomAD 0.007%). This variant has not been reported in the literature in individuals affected with ALK-related conditions. An algorithm developed to predict the effect of missense changes on protein structure and function (PolyPhen-2) suggests that this variant is likely to be disruptive. In summary, the available evidence is currently insufficient to determine the role of this variant in disease. Therefore, it has been classified as a Variant of Uncertain Significance.

Ambry Genetics
Classification: Uncertain significance for Hereditary cancer-predisposing syndrome. Last evaluated: 2024-06-27. Review status: criteria provided, single submitter. Criteria: Ambry Variant Classification Scheme 2023. Collection method: clinical testing. Allele origin: germline.
Comment: The p.T1363I variant (also known as c.4088C>T), located in coding exon 28 of the ALK gene, results from a C to T substitution at nucleotide position 4088. The threonine at codon 1363 is replaced by isoleucine, an amino acid with similar properties. This amino acid position is conserved. In addition, this alteration is predicted to be deleterious by in silico analysis. Based on the available evidence, the clinical significance of this variant remains unclear.

NM_004304.5(ALK):c.4088C>T (p.Thr1363Ile)

Gene: ALK (ALK receptor tyrosine kinase; minus strand). Cytogenetic location: 2p23.2.
Variant type: single nucleotide variant.
Coding change: c.4088C>T on transcript NM_004304.5 (MANE Select); coding-DNA position 4088, C replaced by T.
Protein change: p.Thr1363Ile; replaces threonine 1363 with isoleucine.
Molecular consequence: missense variant.
Genome position (GRCh38, 1-based): chr2:29,196,846, G>A on the plus strand (C>T on the coding strand, the complement: ALK is on the minus strand). VCF-style: chr2-29196846-G-A. GRCh37 (hg19) VCF-style: chr2-29419712-G-A.
Other names: c.4088C>T (NM_004304.4); c.884C>T, p.Thr295Ile (NM_001353765.2); short protein forms T295I, T1363I.
Identifiers: ClinVar variation 2803970 (VCV002803970.4), dbSNP rs1281050927, ClinGen allele CA346465494.